The following is an entry in ClinVar:

NM_000256.3(MYBPC3):c.3331-3C>A

Gene: MYBPC3 (myosin binding protein C3; minus strand). Cytogenetic location: 11p11.2.
Variant type: single nucleotide variant.
Coding change: c.3331-3C>A on transcript NM_000256.3 (MANE Select); 3 bases into the intron before coding-DNA position 3331, C replaced by A.
Molecular consequence: intron variant.
Genome position (GRCh38, 1-based): chr11:47,332,976, G>T on the plus strand (C>A on the coding strand, the complement: MYBPC3 is on the minus strand). VCF-style: chr11-47332976-G-T. GRCh37 (hg19) VCF-style: chr11-47354527-G-T.
Identifiers: ClinVar variation 1331846 (VCV001331846.2), dbSNP rs2142850455, ClinGen allele CA2573053504.
Genomic context (GRCh38, chr11:47,332,976, plus strand): 5'-TGAGCTCTGGCACCACGCAGTGGGTGCGGCGGTAATGCTCCAAGACGGTGAACCACTCCT[G>T]GGGGCAGGGAGGGAGGGGAGGCATCTCTGGGCCAGGCCCTTCCTGATGCCGAGAGCCTCT-3'

ClinVar aggregate classification (germline): Uncertain significance (1 of 4 stars; one submission).

Conditions:
Cardiomyopathy (CMYO). Also called: Cardiomyopathies. Identifiers: Orphanet 167848, MedGen C0878544, MONDO:0004994, HP:0001638. Inheritance: Various modes of inheritance.

gnomAD v4.1: 1 of 1,607,964 alleles (0.000062%); no homozygotes.

Submission:

Color Diagnostics, LLC DBA Color Health
Classification: Uncertain significance for Cardiomyopathy. Last evaluated: 2021-03-17. Review status: criteria provided, single submitter. Criteria: ACMG Guidelines, 2015. Collection method: clinical testing. Allele origin: germline.
Comment: This variant causes a C to A nucleotide substitution at the -3 position of intron 30 of the MYBPC3 gene. Splice site prediction tools predict that this variant may have a significant impact on RNA splicing. To our knowledge, functional studies have not been reported for this variant. This variant has not been reported in individuals affected with cardiovascular disorders in the literature. This variant has not been identified in the general population by the Genome Aggregation Database (gnomAD). The available evidence is insufficient to determine the role of this variant in disease conclusively. Therefore, this variant is classified as a Variant of Uncertain Significance.